The following is an entry in ClinVar:

NM_001148.6(ANK2):c.1874C>A (p.Thr625Asn)

Gene: ANK2 (ankyrin 2; plus strand). Cytogenetic location: 4q26.
Variant type: single nucleotide variant.
Coding change: c.1874C>A on transcript NM_001148.6 (MANE Select); coding-DNA position 1874, C replaced by A.
Protein change: p.Thr625Asn; replaces threonine 625 with asparagine.
Molecular consequence: missense variant. On other transcripts: intron variant (10).
Genome position (GRCh38, 1-based): chr4:113,278,551, C>A. VCF-style: chr4-113278551-C-A. GRCh37 (hg19) VCF-style: chr4-114199707-C-A.
Other names: c.1811C>A, p.Thr604Asn (NM_001127493.3, NM_001354252.2, NM_001354254.2 and 10 more transcripts); c.1874C>A, p.Thr625Asn (NM_001354225.2, NM_001354228.2, NM_001354232.2 and 6 more transcripts); c.1919C>A, p.Thr640Asn (NM_001354230.2, NM_001354231.2, NM_001386144.1 and 5 more transcripts); c.1787C>A, p.Thr596Asn (NM_001354249.2, NM_001354264.2, NM_001386142.1 and 10 more transcripts); c.1832C>A, p.Thr611Asn (NM_001354261.2, NM_001386147.1, NM_001386160.1); c.1862C>A, p.Thr621Asn (NM_001386148.2, NM_001386186.2); c.1589C>A, p.Thr530Asn (NM_001386157.1, NM_001354277.2); c.1925C>A, p.Thr642Asn (NM_001386174.1); and 8 more; short protein forms T604N, T611N, T642N, T555N, T559N, T613N, T625N, T596N.
Identifiers: ClinVar variation 1781744 (VCV001781744.5), dbSNP rs979939287, ClinGen allele CA103784881.

ClinVar aggregate classification (germline): Uncertain significance. Review status: criteria provided, multiple submitters, no conflicts (2 of 4 stars). 2 submissions from 2 submitters: Uncertain significance (2). Last evaluated 2023-10-24.

Conditions:
Cardiovascular phenotype. Identifiers: MedGen CN230736.
Long QT syndrome (LQTS). Identifiers: MedGen C0023976, MeSH D008133, MONDO:0002442. Disease mechanism: loss of function. Inheritance: Various modes of inheritance.

Allele frequency attached by ClinVar (database versions not stated): gnomAD 0.00001; TOPMed 0.00001; gnomAD exomes 0.00002.
gnomAD v4.1: 30 of 1,613,786 alleles (0.0019%); highest among the groups gnomAD compares: Non-Finnish European, 0.0025%; no homozygotes.

Submissions (2):

Labcorp Genetics (formerly Invitae), Labcorp
Classification: Uncertain significance for Long QT syndrome. Last evaluated: 2023-10-24. Review status: criteria provided, single submitter. Criteria: Invitae Variant Classification Sherloc (09022015). Collection method: clinical testing. Allele origin: germline.
Comment: This sequence change replaces threonine, which is neutral and polar, with asparagine, which is neutral and polar, at codon 625 of the ANK2 protein (p.Thr625Asn). This variant is present in population databases (no rsID available, gnomAD 0.004%). This variant has not been reported in the literature in individuals affected with ANK2-related conditions. ClinVar contains an entry for this variant (Variation ID: 1781744). Advanced modeling of protein sequence and biophysical properties (such as structural, functional, and spatial information, amino acid conservation, physicochemical variation, residue mobility, and thermodynamic stability) performed at Invitae indicates that this missense variant is not expected to disrupt ANK2 protein function with a negative predictive value of 80%. In summary, the available evidence is currently insufficient to determine the role of this variant in disease. Therefore, it has been classified as a Variant of Uncertain Significance.

Ambry Genetics
Classification: Uncertain significance for Cardiovascular phenotype. Last evaluated: 2021-03-22. Review status: criteria provided, single submitter. Criteria: Ambry Variant Classification Scheme 2023. Collection method: clinical testing. Allele origin: germline.
Comment: The p.T625N variant (also known as c.1874C>A), located in coding exon 17 of the ANK2 gene, results from a C to A substitution at nucleotide position 1874. The threonine at codon 625 is replaced by asparagine, an amino acid with similar properties. This amino acid position is well conserved in available vertebrate species. In addition, this alteration is predicted to be tolerated by in silico analysis. Since supporting evidence is limited at this time, the clinical significance of this alteration remains unclear.